The following is an entry in ClinVar:

NM_138959.3(VANGL1):c.*3409T>C

Gene: VANGL1 (VANGL planar cell polarity protein 1; plus strand). Cytogenetic location: 1p13.1.
Variant type: single nucleotide variant.
Coding change: c.*3409T>C on transcript NM_138959.3 (MANE Select); 3409 bases downstream of the stop codon, T replaced by C.
Molecular consequence: 3 prime UTR variant.
Genome position (GRCh38, 1-based): chr1:115,694,788, T>C. VCF-style: chr1-115694788-T-C. GRCh37 (hg19) VCF-style: chr1-116237409-T-C.
Other names: c.*3409T>C (NM_001172411.2, NM_001172412.2).
Identifiers: ClinVar variation 874853 (VCV000874853.4), dbSNP rs140931431, ClinGen allele CA29599744.
Genomic context (GRCh38, chr1:115,694,788, plus strand): 5'-GGGATGCATATTTGTTTGTGCGTTTTTATTTCCATATATGTGAGCATTTCTCTGAGTGTA[T>C]TACCAGACGGATAGCACATTTATATGTCAGACATCTTAACATCTGTGTTATCTGTAGCAG-3'

ClinVar aggregate classification (germline): Conflicting classifications of pathogenicity. Review status: criteria provided, conflicting classifications (1 of 4 stars). 2 submissions from 1 submitter: Uncertain significance (1); Benign (1). Last evaluated 2018-01-13.

Conditions:
Neural tube defect (NTD). Also called: Neural tube defects. Identifiers: Orphanet 3388, Orphanet 823, MedGen C0027794, MONDO:0018075, HP:0045005.
Sacral defect with anterior meningocele. Identifiers: MedGen C1838568, OMIM 600145.

Allele frequency attached by ClinVar (database versions not stated): 1000 Genomes Project 30x 0.00031; 1000 Genomes Project 0.00040; gnomAD 0.00053 and 0.00056; TOPMed 0.00059.
gnomAD v4.1: 80 of 152,344 alleles (0.053%); highest among the groups gnomAD compares: African/African-American, 0.19%; no homozygotes.

Submissions (2):

Illumina Laboratory Services, Illumina
Classification: Uncertain significance for Neural tube defects, susceptibility to. Last evaluated: 2018-01-13. Review status: criteria provided, single submitter. Criteria: ICSL Variant Classification Criteria 13 December 2019. Collection method: clinical testing. Allele origin: germline.

Illumina Laboratory Services, Illumina
Classification: Benign for Sacral defect with anterior meningocele. Last evaluated: 2018-01-13. Review status: criteria provided, single submitter. Criteria: ICSL Variant Classification Criteria 13 December 2019. Collection method: clinical testing. Allele origin: germline.
Comment: This variant was observed in the ICSL laboratory as part of a predisposition screen in an ostensibly healthy population. It had not been previously curated by ICSL or reported in the Human Gene Mutation Database (HGMD: prior to June 1st, 2018), and was therefore a candidate for classification through an automated scoring system. Utilizing variant allele frequency, disease prevalence and penetrance estimates, and inheritance mode, an automated score was calculated to assess if this variant is too frequent to cause the disease. Based on the score and internal cut-off values, a variant classified as benign is not then subjected to further curation. The score for this variant resulted in a classification of benign for this disease.